The following is an entry in ClinVar:

ClinVar aggregate classification (germline): Likely pathogenic (1 of 4 stars; one submission).

Conditions:
Neuromuscular disease caused by qualitative or quantitative defects of dysferlin. Also called: Dysferlinopathy; Qualitative or quantitative defects of dysferlin. Identifiers: Orphanet 207073, MedGen C2931687, MONDO:0016145.

gnomAD v4.1: 1 of 1,613,350 alleles (0.000062%); highest among the groups gnomAD compares: Non-Finnish European, 0.000085%; no homozygotes.

Submission:

Labcorp Genetics (formerly Invitae), Labcorp
Classification: Likely pathogenic for Neuromuscular disease caused by qualitative or quantitative defects of dysferlin. Last evaluated: 2023-06-04. Review status: criteria provided, single submitter. Criteria: Invitae Variant Classification Sherloc (09022015). Collection method: clinical testing. Allele origin: germline.
Comment: In summary, the currently available evidence indicates that the variant is pathogenic, but additional data are needed to prove that conclusively. Therefore, this variant has been classified as Likely Pathogenic. Algorithms developed to predict the effect of sequence changes on RNA splicing suggest that this variant may disrupt the consensus splice site. This variant has not been reported in the literature in individuals affected with DYSF-related conditions. This variant is not present in population databases (gnomAD no frequency). This sequence change affects a donor splice site in intron 23 of the DYSF gene. It is expected to disrupt RNA splicing. Variants that disrupt the donor or acceptor splice site typically lead to a loss of protein function (PMID: 16199547), and loss-of-function variants in DYSF are known to be pathogenic (PMID: 17698709, 20301480).

Literature cited by the submitters: PubMed 16199547; PubMed 17698709; PubMed 20301480.

NM_001130987.2(DYSF):c.2409+1G>T

Gene: DYSF (dysferlin; plus strand). Cytogenetic location: 2p13.2.
Variant type: single nucleotide variant.
Coding change: c.2409+1G>T on transcript NM_001130987.2 (MANE Select); the canonical splice donor site of the intron after coding-DNA position 2409, G replaced by T.
Molecular consequence: splice donor variant.
Genome position (GRCh38, 1-based): chr2:71,561,945, G>T. VCF-style: chr2-71561945-G-T. GRCh37 (hg19) VCF-style: chr2-71789075-G-T.
Other names: c.2355+1G>T (NM_003494.4, NM_001130978.2); c.2313+1G>T (NM_001130977.2, NM_001130976.2); c.2451+1G>T (NM_001130982.2); c.2409+1G>T (NM_001130985.2); c.2358+1G>T (NM_001130983.2, NM_001130455.2); c.2316+1G>T (NM_001130984.2, NM_001130986.2); c.2448+1G>T (NM_001130979.2); c.2406+1G>T (NM_001130981.2, NM_001130980.2).
Identifiers: ClinVar variation 2765986 (VCV002765986.3), dbSNP rs151317754, ClinGen allele CA347210175.
Genomic context (GRCh38, chr2:71,561,945, plus strand): 5'-CCTGCAGCTCTGGAGCAGGCGGAGGACTGGCTCCTGCGTCTGCGTGCCCTGGCAGAGGAG[G>T]TAATTAAGCCTGGGGGTGCCTTTCTTCTTCTGCTCTCCTGCTGCCTGGAACATCAGAACT-3'